The following is an entry in ClinVar:

NM_144687.4(NLRP12):c.1694G>A (p.Gly565Glu)

Gene: NLRP12 (NLR family pyrin domain containing 12; minus strand). Cytogenetic location: 19q13.42.
Variant type: single nucleotide variant.
Coding change: c.1694G>A on transcript NM_144687.4 (MANE Select); coding-DNA position 1694, G replaced by A.
Protein change: p.Gly565Glu; replaces glycine 565 with glutamic acid.
Molecular consequence: missense variant.
Genome position (GRCh38, 1-based): chr19:53,809,965, C>T on the plus strand (G>A on the coding strand, the complement: NLRP12 is on the minus strand). VCF-style: chr19-53809965-C-T. GRCh37 (hg19) VCF-style: chr19-54313219-C-T.
Other names: c.1694G>A, p.Gly565Glu (NM_001277126.2, NM_001277129.1); short protein forms G565E.
Identifiers: ClinVar variation 1026101 (VCV001026101.8), dbSNP rs1235884586, ClinGen allele CA407412882.
Genomic context (GRCh38, chr19:53,809,965, plus strand): 5'-GGCGAGACCTTCCAGCAGAGACTCTTCTCCAGGTGGCTCCTGGTCTCCTCGTTCAGGAGT[C>T]CAAACAGGAAGCGGCTGGTGAGTGCCAGGAAGCTCCTTTCAGAAAACGCGTACTCGGTCA-3'
Protein context (NP_653288.1, residues 555-575): FLALTSRFLF[Gly565Glu]LLNEETRSHL

ClinVar aggregate classification (germline): Uncertain significance (1 of 4 stars; one submission).

Conditions:
Familial cold autoinflammatory syndrome 2 (FCAS2). Identifiers: Orphanet 247868, MedGen C2673198, MONDO:0012724, OMIM 611762.

Allele frequency attached by ClinVar (database versions not stated): gnomAD exomes below 0.00001; TOPMed below 0.00001.
gnomAD v4.1: 38 of 1,614,114 alleles (0.0024%); highest among the groups gnomAD compares: Non-Finnish European, 0.0031%; no homozygotes.

Submission:

Labcorp Genetics (formerly Invitae), Labcorp
Classification: Uncertain significance for Familial cold autoinflammatory syndrome 2. Last evaluated: 2024-12-27. Review status: criteria provided, single submitter. Criteria: Invitae Variant Classification Sherloc (09022015). Collection method: clinical testing. Allele origin: germline.
Comment: This sequence change replaces glycine, which is neutral and non-polar, with glutamic acid, which is acidic and polar, at codon 565 of the NLRP12 protein (p.Gly565Glu). This variant is present in population databases (no rsID available, gnomAD 0.0009%). This variant has not been reported in the literature in individuals affected with NLRP12-related conditions. ClinVar contains an entry for this variant (Variation ID: 1026101). Invitae Evidence Modeling of protein sequence and biophysical properties (such as structural, functional, and spatial information, amino acid conservation, physicochemical variation, residue mobility, and thermodynamic stability) indicates that this missense variant is expected to disrupt NLRP12 protein function with a positive predictive value of 80%. In summary, the available evidence is currently insufficient to determine the role of this variant in disease. Therefore, it has been classified as a Variant of Uncertain Significance.